The following is an entry in ClinVar:

NM_014003.4(DHX38):c.2930T>C (p.Met977Thr)

Genes: DHX38 (DEAH-box helicase 38; plus strand), LOC126862391 (CDK7 strongly-dependent group 2 enhancer GRCh37_chr16:72141414-72142613; plus strand). Cytogenetic location: 16q22.2.
Variant type: single nucleotide variant.
Coding change: c.2930T>C on transcript NM_014003.4 (MANE Select); coding-DNA position 2930, T replaced by C.
Protein change: p.Met977Thr; replaces methionine 977 with threonine.
Molecular consequence: missense variant.
Genome position (GRCh38, 1-based): chr16:72,107,765, T>C. VCF-style: chr16-72107765-T-C. GRCh37 (hg19) VCF-style: chr16-72141664-T-C.
Other names: short protein forms M977T.
Identifiers: ClinVar variation 1403246 (VCV001403246.8), dbSNP rs1363593522, ClinGen allele CA396715282.

ClinVar aggregate classification (germline): Uncertain significance (1 of 4 stars; one submission).

Allele frequency attached by ClinVar (database versions not stated): gnomAD exomes below 0.00001 and 0.00001; TOPMed below 0.00001; gnomAD 0.00001.
gnomAD v4.1: 12 of 1,613,914 alleles (0.00074%); highest among the groups gnomAD compares: Admixed American, 0.0017%; no homozygotes.

Submission:

Labcorp Genetics (formerly Invitae), Labcorp
Classification: Uncertain significance. Last evaluated: 2022-11-15. Review status: criteria provided, single submitter. Criteria: Invitae Variant Classification Sherloc (09022015). Collection method: clinical testing. Allele origin: germline.
Comment: This sequence change replaces methionine, which is neutral and non-polar, with threonine, which is neutral and polar, at codon 977 of the DHX38 protein (p.Met977Thr). This variant is present in population databases (no rsID available, gnomAD 0.0009%). This variant has not been reported in the literature in individuals affected with DHX38-related conditions. ClinVar contains an entry for this variant (Variation ID: 1403246). In summary, the available evidence is currently insufficient to determine the role of this variant in disease. Therefore, it has been classified as a Variant of Uncertain Significance. Advanced modeling of protein sequence and biophysical properties (such as structural, functional, and spatial information, amino acid conservation, physicochemical variation, residue mobility, and thermodynamic stability) performed at Invitae indicates that this missense variant is expected to disrupt DHX38 protein function.